The following is an entry in ClinVar:

NM_014714.4(IFT140):c.2578-2A>G

Gene: IFT140 (intraflagellar transport 140; minus strand). Cytogenetic location: 16p13.3.
Variant type: single nucleotide variant.
Coding change: c.2578-2A>G on transcript NM_014714.4 (MANE Select); the canonical splice acceptor site of the intron before coding-DNA position 2578, A replaced by G.
Molecular consequence: splice acceptor variant.
Genome position (GRCh38, 1-based): chr16:1,526,079, T>C on the plus strand (A>G on the coding strand, the complement: IFT140 is on the minus strand). VCF-style: chr16-1526079-T-C. GRCh37 (hg19) VCF-style: chr16-1576080-T-C.
Identifiers: ClinVar variation 1470201 (VCV001470201.8), dbSNP rs2040685752, ClinGen allele CA394227921.

ClinVar aggregate classification (germline): Likely pathogenic. Review status: criteria provided, multiple submitters, no conflicts (2 of 4 stars). 2 submissions from 2 submitters: Likely pathogenic (2). Last evaluated 2025-04-17.

Conditions:
Retinitis pigmentosa 80 (RP80). Identifiers: MedGen C4540439, MONDO:0054708, OMIM 617781.
Saldino-Mainzer syndrome (SRTD9). Also called: Renal dysplasia, retinal pigmentary dystrophy, cerebellar ataxia and skeletal dysplasia; CONORENAL SYNDROME; SHORT-RIB THORACIC DYSPLASIA 9 WITHOUT POLYDACTYLY; short-rib thoracic dysplasia 9 with or without polydactyly. Identifiers: Orphanet 140969, MedGen C1849437, MONDO:0009964, OMIM 266920.

Allele frequency attached by ClinVar (database versions not stated): gnomAD 0.00001.

Submissions (2):

Labcorp Genetics (formerly Invitae), Labcorp
Classification: Likely pathogenic for Saldino-Mainzer syndrome. Last evaluated: 2025-04-17. Review status: criteria provided, single submitter. Criteria: Invitae Variant Classification Sherloc (09022015). Collection method: clinical testing. Allele origin: germline.
Comment: This sequence change affects an acceptor splice site in intron 20 of the IFT140 gene. It is expected to disrupt RNA splicing. Variants that disrupt the donor or acceptor splice site typically lead to a loss of protein function (PMID: 16199547), and loss-of-function variants in IFT140 are known to be pathogenic (PMID: 22503633, 23418020, 24009529, 26216056). This variant is not present in population databases (gnomAD no frequency). This variant has not been reported in the literature in individuals affected with IFT140-related conditions. ClinVar contains an entry for this variant (Variation ID: 1470201). Algorithms developed to predict the effect of sequence changes on RNA splicing suggest that this variant may disrupt the consensus splice site. In summary, the currently available evidence indicates that the variant is pathogenic, but additional data are needed to prove that conclusively. Therefore, this variant has been classified as Likely Pathogenic.

Fulgent Genetics
Classification: Likely pathogenic for Saldino-Mainzer syndrome; Retinitis pigmentosa 80. Last evaluated: 2024-01-15. Review status: criteria provided, single submitter. Criteria: ACMG Guidelines, 2015. Collection method: clinical testing. Allele origin: germline.

Literature cited by the submitters: PubMed 16199547 (cited by Labcorp Genetics (formerly Invitae), Labcorp); PubMed 22503633 (cited by Labcorp Genetics (formerly Invitae), Labcorp); PubMed 23418020 (cited by Labcorp Genetics (formerly Invitae), Labcorp); PubMed 24009529 (cited by Labcorp Genetics (formerly Invitae), Labcorp); PubMed 26216056 (cited by Labcorp Genetics (formerly Invitae), Labcorp).